The following is an entry in ClinVar:

ClinVar aggregate classification (germline): Benign (0 of 4 stars; one submission).

Conditions:
Orofacial cleft 10 (OFC10). Also called: CLEFT LIP WITH OR WITHOUT CLEFT PALATE, NONSYNDROMIC, 10. Identifiers: MedGen C1866070, MONDO:0013378, OMIM 613705.

Submission:

Pharmacology and Genetics Laboratory, Bauru School of Dentistry, University of Sao Paulo
Classification: Benign for Orofacial cleft 10. Review status: no assertion criteria provided. Collection method: case-control. Allele origin: unknown. Affected: yes. Observed: 1 variant allele.
Comment: In silico analysis revealed polyphen prediction benign with polyphen score 0.051. Provean protein Batch - SIFT was predicted as tolerated with score 0.27. Mutation tester predicted disease causing.

Literature cited by the submitters: PubMed 27834299; PubMed 26346622; PubMed 28762674.

NM_006147.4(IRF6):c.362G>T (p.Gly121Val)

Gene: IRF6 (interferon regulatory factor 6; minus strand). Cytogenetic location: 1q32.2.
Variant type: single nucleotide variant.
Coding change: c.362G>T on transcript NM_006147.4 (MANE Select); coding-DNA position 362, G replaced by T.
Protein change: p.Gly121Val; replaces glycine 121 with valine.
Molecular consequence: missense variant.
Genome position (GRCh38, 1-based): chr1:209,796,365, C>A on the plus strand (G>T on the coding strand, the complement: IRF6 is on the minus strand). VCF-style: chr1-209796365-C-A. GRCh37 (hg19) VCF-style: chr1-209969710-C-A.
Other names: c.77G>T, p.Gly26Val (NM_001206696.2); short protein forms G121V, G26V.
Identifiers: ClinVar variation 559488 (VCV000559488.2), dbSNP rs1553248247, ClinGen allele CA344582769.